The following is an entry in ClinVar:

ClinVar aggregate classification (germline): Uncertain significance (1 of 4 stars; one submission).

Submission:

Ambry Genetics
Classification: Uncertain significance. Last evaluated: 2025-07-05. Review status: criteria provided, single submitter. Criteria: Ambry Variant Classification Scheme 2023. Collection method: clinical testing. Allele origin: germline.
Comment: The p.S396F variant (also known as c.1187C>T), located in coding exon 12 of the KIF1B gene, results from a C to T substitution at nucleotide position 1187. The serine at codon 396 is replaced by phenylalanine, an amino acid with highly dissimilar properties. This amino acid position is conserved. In addition, the in silico prediction for this alteration is inconclusive. Since supporting evidence is limited at this time, the clinical significance of this alteration remains unclear.

NM_001365951.3(KIF1B):c.1325C>T (p.Ser442Phe)

Gene: KIF1B (kinesin family member 1B; plus strand). Cytogenetic location: 1p36.22.
Variant type: single nucleotide variant.
Coding change: c.1325C>T on transcript NM_001365951.3 (MANE Select); coding-DNA position 1325, C replaced by T.
Protein change: p.Ser442Phe; replaces serine 442 with phenylalanine.
Molecular consequence: missense variant.
Genome position (GRCh38, 1-based): chr1:10,282,424, C>T. VCF-style: chr1-10282424-C-T. GRCh37 (hg19) VCF-style: chr1-10342482-C-T.
Other names: c.1325C>T, p.Ser442Phe (NM_001365952.1); c.1187C>T, p.Ser396Phe (NM_001365953.1, NM_015074.3, NM_183416.4); short protein forms S442F, S396F.
Identifiers: ClinVar variation 2563662 (VCV002563662.3), dbSNP rs908437722, ClinGen allele CA17841965.